The following is an entry in ClinVar:

ClinVar aggregate classification (germline): Likely pathogenic (1 of 4 stars; one submission).

Allele frequency attached by ClinVar (database versions not stated): TOPMed below 0.00001.

Submission:

GeneDx
Classification: Likely pathogenic. Last evaluated: 2023-01-19. Review status: criteria provided, single submitter. Criteria: GeneDx Variant Classification Process June 2021. Collection method: clinical testing. Allele origin: germline. Affected: yes.
Comment: Frameshift variant predicted to result in protein truncation or nonsense mediated decay in a gene for which loss of function is a known mechanism of disease; Not observed at significant frequency in large population cohorts (gnomAD); Has not been previously published as pathogenic or benign to our knowledge

NM_001083961.2(WDR62):c.1212del (p.Ser405fs)

Gene: WDR62 (WD repeat domain 62; plus strand). Cytogenetic location: 19q13.12.
Variant type: Deletion.
Coding change: c.1212del on transcript NM_001083961.2 (MANE Select); coding-DNA position 1212, one base deleted (C; older notation c.1212delC).
Protein change: p.Ser405fs; shifts the reading frame from serine 405.
Molecular consequence: frameshift variant.
Genome position (GRCh38, 1-based): chr19:36,073,510, C deleted. VCF-style (leftmost placement, unchanged base first): chr19-36073509-GC-G. GRCh37 (hg19) VCF-style: chr19-36564411-GC-G.
Other names: c.1212del, p.Ser405fs (NM_173636.5); c.1212delC (NM_001083961.1); c.1212del (NM_001083961.1); short protein forms S405fs.
Identifiers: ClinVar variation 817372 (VCV000817372.3), dbSNP rs1599774265, ClinGen allele CA915953122.